The following is an entry in ClinVar:

NM_133459.4(CCBE1):c.*4788T>C

Gene: CCBE1 (collagen and calcium binding EGF domains 1; minus strand). Cytogenetic location: 18q21.32.
Variant type: single nucleotide variant.
Coding change: c.*4788T>C on transcript NM_133459.4 (MANE Select); 4788 bases downstream of the stop codon, T replaced by C.
Molecular consequence: 3 prime UTR variant.
Genome position (GRCh38, 1-based): chr18:59,431,120, A>G on the plus strand (T>C on the coding strand, the complement: CCBE1 is on the minus strand). VCF-style: chr18-59431120-A-G. GRCh37 (hg19) VCF-style: chr18-57098352-A-G.
Other names: c.*4788T>C (LRG_1209t1).
Identifiers: ClinVar variation 327589 (VCV000327589.6), dbSNP rs77728352, ClinGen allele CA10651228.
Genomic context (GRCh38, chr18:59,431,120, plus strand): 5'-AACAGAGCTACTCCAGTATATGACTAGTCACTGTGAAATAAAAACAGACCCACGGCACAC[A>G]TGAAATTCCTAAGGGGACTTGCTTTGATCCCCTGGGGAGTAAGAGGGTCCTTTTCTATGA-3'

ClinVar aggregate classification (germline): Benign. Review status: criteria provided, multiple submitters, no conflicts (2 of 4 stars). 2 submissions from 2 submitters: Benign (2). Last evaluated 2018-01-13.

Conditions:
Hennekam lymphangiectasia-lymphedema syndrome 1 (HKLLS1). Also called: LYMPHATIC DYSPLASIA, GENERALIZED. Identifiers: Orphanet 2136, MedGen C4012050, MONDO:0009337, OMIM 235510.

Allele frequency attached by ClinVar (database versions not stated): gnomAD 0.04498; 1000 Genomes Project 30x 0.01968; 1000 Genomes Project 0.02157; TOPMed 0.02947.

Submissions (2):

Illumina Laboratory Services, Illumina
Classification: Benign for Hennekam lymphangiectasia-lymphedema syndrome 1. Last evaluated: 2018-01-13. Review status: criteria provided, single submitter. Criteria: ICSL Variant Classification Criteria 13 December 2019. Collection method: clinical testing. Allele origin: germline.
Comment: This variant was observed in the ICSL laboratory as part of a predisposition screen in an ostensibly healthy population. It had not been previously curated by ICSL or reported in the Human Gene Mutation Database (HGMD: prior to June 1st, 2018), and was therefore a candidate for classification through an automated scoring system. Utilizing variant allele frequency, disease prevalence and penetrance estimates, and inheritance mode, an automated score was calculated to assess if this variant is too frequent to cause the disease. Based on the score and internal cut-off values, a variant classified as benign is not then subjected to further curation. The score for this variant resulted in a classification of benign for this disease.

Breakthrough Genomics
Classification: Benign. Review status: criteria provided, single submitter. Criteria: ACMG Guidelines, 2015. Collection method: not provided. Allele origin: germline. Inheritance: Autosomal recessive inheritance. Affected: yes.